The following is an entry in ClinVar:

ClinVar aggregate classification (germline): Uncertain significance (1 of 4 stars; one submission).

Submission:

GeneDx
Classification: Uncertain significance. Last evaluated: 2024-04-05. Review status: criteria provided, single submitter. Criteria: GeneDx Variant Classification Process June 2021. Collection method: clinical testing. Allele origin: germline. Affected: yes.
Comment: Not observed at significant frequency in large population cohorts (gnomAD); In silico analysis supports that this missense variant has a deleterious effect on protein structure/function; Has not been previously published as pathogenic or benign to our knowledge

NM_014915.3(ANKRD26):c.4373T>G (p.Val1458Gly)

Gene: ANKRD26 (ankyrin repeat domain containing 26; minus strand). Cytogenetic location: 10p12.1.
Variant type: single nucleotide variant.
Coding change: c.4373T>G on transcript NM_014915.3 (MANE Select); coding-DNA position 4373, T replaced by G.
Protein change: p.Val1458Gly; replaces valine 1458 with glycine.
Molecular consequence: missense variant.
Genome position (GRCh38, 1-based): chr10:27,017,635, A>C on the plus strand (T>G on the coding strand, the complement: ANKRD26 is on the minus strand). VCF-style: chr10-27017635-A-C. GRCh37 (hg19) VCF-style: chr10-27306564-A-C.
Other names: c.4370T>G, p.Val1457Gly (NM_001256053.2); short protein forms V1457G, V1458G.
Identifiers: ClinVar variation 3372207 (VCV003372207.1).